The following is an entry in ClinVar:

ClinVar aggregate classification (germline): Pathogenic/Likely pathogenic. Review status: criteria provided, multiple submitters, no conflicts (2 of 4 stars). 3 submissions from 3 submitters: Pathogenic (2); Likely pathogenic (1). Last evaluated 2026-02-02.

Conditions:
BBS5-related disorder. Also called: BBS5-related condition.
Bardet-Biedl syndrome (BBS). Identifiers: Orphanet 110, MedGen C0752166, MONDO:0015229.
Bardet-Biedl syndrome 5 (BBS5). Identifiers: Orphanet 110, MedGen C3892039, MONDO:0014434, OMIM 615983.

Allele frequency attached by ClinVar (database versions not stated): gnomAD exomes below 0.00001.
gnomAD v4.1: 5 of 1,571,912 alleles (0.00032%); highest among the groups gnomAD compares: Middle Eastern, 0.017%; no homozygotes.

Submissions (3):

PreventionGenetics, part of Exact Sciences
Classification: Pathogenic for BBS5-related condition. Last evaluated: 2026-02-02. Review status: criteria provided, single submitter. Criteria: ACMG Guidelines, 2015. Collection method: clinical testing. Allele origin: germline.
Comment: The BBS5 c.681+1G>T variant is predicted to disrupt the GT donor site and interfere with normal splicing. This variant has been reported in a homozygous individual with Bardet-Biedl syndrome 5 (Table S1, Lindstrand et al. 2022. PubMed ID: 36066546). This variant has not been reported in a large population database (gnomAD), indicating this variant is rare. Variants that disrupt the consensus splice donor site in BBS5 are expected to be pathogenic. This variant is interpreted as pathogenic.

Labcorp Genetics (formerly Invitae), Labcorp
Classification: Pathogenic for Bardet-Biedl syndrome. Last evaluated: 2025-01-15. Review status: criteria provided, single submitter. Criteria: Invitae Variant Classification Sherloc (09022015). Collection method: clinical testing. Allele origin: germline.
Comment: This sequence change affects a donor splice site in intron 8 of the BBS5 gene. It is expected to disrupt RNA splicing. Variants that disrupt the donor or acceptor splice site typically lead to a loss of protein function (PMID: 16199547), and loss-of-function variants in BBS5 are known to be pathogenic (PMID: 15137946, 16877420, 26325687, 27708425, 28041643, 29806606). This variant is not present in population databases (gnomAD no frequency). Disruption of this splice site has been observed in individual(s) with Bardet-Biedl syndrome (PMID: 36066546). ClinVar contains an entry for this variant (Variation ID: 2872966). Algorithms developed to predict the effect of sequence changes on RNA splicing suggest that this variant may disrupt the consensus splice site. For these reasons, this variant has been classified as Pathogenic.

Fulgent Genetics
Classification: Likely pathogenic for Bardet-Biedl syndrome 5. Last evaluated: 2024-02-12. Review status: criteria provided, single submitter. Criteria: ACMG Guidelines, 2015. Collection method: clinical testing. Allele origin: germline.

Literature cited by the submitters: PubMed 16199547 (cited by Labcorp Genetics (formerly Invitae), Labcorp); PubMed 15137946 (cited by Labcorp Genetics (formerly Invitae), Labcorp); PubMed 16877420 (cited by Labcorp Genetics (formerly Invitae), Labcorp); PubMed 26325687 (cited by Labcorp Genetics (formerly Invitae), Labcorp); PubMed 27708425 (cited by Labcorp Genetics (formerly Invitae), Labcorp); PubMed 28041643 (cited by Labcorp Genetics (formerly Invitae), Labcorp); PubMed 29806606 (cited by Labcorp Genetics (formerly Invitae), Labcorp); PubMed 36066546 (cited by Labcorp Genetics (formerly Invitae), Labcorp).

NM_152384.3(BBS5):c.681+1G>T

Gene: BBS5 (Bardet-Biedl syndrome 5; plus strand). Cytogenetic location: 2q31.1.
Variant type: single nucleotide variant.
Coding change: c.681+1G>T on transcript NM_152384.3 (MANE Select); the canonical splice donor site of the intron after coding-DNA position 681, G replaced by T.
Molecular consequence: splice donor variant.
Genome position (GRCh38, 1-based): chr2:169,497,690, G>T. VCF-style: chr2-169497690-G-T. GRCh37 (hg19) VCF-style: chr2-170354200-G-T.
Other names: c.681+1G>T (NM_152384.2).
Identifiers: ClinVar variation 2872966 (VCV002872966.5), dbSNP rs2105300442, ClinGen allele CA349166581.